The following is an entry in ClinVar:

NM_004974.4(KCNA2):c.996A>G (p.Ile332Met)

Gene: KCNA2 (potassium voltage-gated channel subfamily A member 2; minus strand). Cytogenetic location: 1p13.3.
Variant type: single nucleotide variant.
Coding change: c.996A>G on transcript NM_004974.4 (MANE Select); coding-DNA position 996, A replaced by G.
Protein change: p.Ile332Met; replaces isoleucine 332 with methionine.
Molecular consequence: missense variant. On other transcripts: intron variant (1).
Genome position (GRCh38, 1-based): chr1:110,603,787, T>C on the plus strand (A>G on the coding strand, the complement: KCNA2 is on the minus strand). VCF-style: chr1-110603787-T-C. GRCh37 (hg19) VCF-style: chr1-111146409-T-C.
Other names: c.894+102A>G (NM_001204269.2); short protein forms I332M.
Identifiers: ClinVar variation 4709770 (VCV004709770.1).

ClinVar aggregate classification (germline): Uncertain significance (1 of 4 stars; one submission).

Conditions:
Developmental and epileptic encephalopathy, 32 (DEE32). Also called: Epileptic encephalopathy, early infantile, 32. Identifiers: Orphanet 442835, MedGen C4225350, MONDO:0014607, OMIM 616366.

gnomAD v4.1: 1 of 1,613,894 alleles (0.000062%); highest among the groups gnomAD compares: African/African-American, 0.0013%; no homozygotes.

Submission:

Labcorp Genetics (formerly Invitae), Labcorp
Classification: Uncertain significance for Developmental and epileptic encephalopathy, 32. Last evaluated: 2025-03-09. Review status: criteria provided, single submitter. Criteria: Invitae Variant Classification Sherloc (09022015). Collection method: clinical testing. Allele origin: germline.
Comment: This sequence change replaces isoleucine, which is neutral and non-polar, with methionine, which is neutral and non-polar, at codon 332 of the KCNA2 protein (p.Ile332Met). This variant is present in population databases (no rsID available, gnomAD 0.01%). This variant has not been reported in the literature in individuals affected with KCNA2-related conditions. Invitae Evidence Modeling of protein sequence and biophysical properties (such as structural, functional, and spatial information, amino acid conservation, physicochemical variation, residue mobility, and thermodynamic stability) indicates that this missense variant is not expected to disrupt KCNA2 protein function with a negative predictive value of 95%. In summary, the available evidence is currently insufficient to determine the role of this variant in disease. Therefore, it has been classified as a Variant of Uncertain Significance.